The following is an entry in ClinVar:

NM_024422.6(DSC2):c.2379C>A (p.Thr793=)

Gene: DSC2 (desmocollin 2; minus strand). Cytogenetic location: 18q12.1.
Variant type: single nucleotide variant.
Coding change: c.2379C>A on transcript NM_024422.6 (MANE Select); coding-DNA position 2379, C replaced by A.
Protein change: p.Thr793=; no amino-acid change (threonine 793 retained).
Molecular consequence: synonymous variant.
Genome position (GRCh38, 1-based): chr18:31,069,023, G>T on the plus strand (C>A on the coding strand, the complement: DSC2 is on the minus strand). VCF-style: chr18-31069023-G-T. GRCh37 (hg19) VCF-style: chr18-28648989-G-T.
Other names: c.2379C>A, p.Thr793= (NM_004949.5).
Identifiers: ClinVar variation 536286 (VCV000536286.26), dbSNP rs773813155, ClinGen allele CA036446.

ClinVar aggregate classification (germline): Benign/Likely benign. Review status: criteria provided, multiple submitters, no conflicts (2 of 4 stars). 7 submissions from 7 submitters: Benign (1); Likely benign (6). Last evaluated 2026-03-01.

Conditions:
Cardiomyopathy (CMYO). Also called: Cardiomyopathies. Identifiers: Orphanet 167848, MedGen C0878544, MONDO:0004994, HP:0001638. Inheritance: Various modes of inheritance.
Arrhythmogenic right ventricular dysplasia 11. Also called: ARRHYTHMOGENIC RIGHT VENTRICULAR DYSPLASIA, FAMILIAL, 11; Arrhythmogenic Right Ventricular Dysplasia/Cardiomyopathy11; Arrhythmogenic right ventricular dysplasia 11 with mild palmoplantar keratoderma and woolly hair. Identifiers: MedGen C1864850, MONDO:0012506, OMIM 610476.
Cardiovascular phenotype. Identifiers: MedGen CN230736.
Familial isolated arrhythmogenic right ventricular dysplasia. Identifiers: Orphanet 217656, MedGen C4274968, MONDO:0016342.

Allele frequency attached by ClinVar (database versions not stated): gnomAD exomes 0.00010; gnomAD 0.00001; ExAC 0.00002; TOPMed 0.00005.
gnomAD v4.1: 33 of 1,613,878 alleles (0.002%); highest among the groups gnomAD compares: Admixed American, 0.05%; no homozygotes.

Submissions (7):

CeGaT Center for Human Genetics Tuebingen
Classification: Likely benign. Last evaluated: 2026-03-01. Review status: criteria provided, single submitter. Criteria: CeGaT Center For Human Genetics Tuebingen Variant Classification Criteria Version 2. Collection method: clinical testing. Allele origin: germline. Affected: yes. Observed: 2 variant alleles.
Comment: DSC2: BP4, BP7

Labcorp Genetics (formerly Invitae), Labcorp
Classification: Likely benign for Arrhythmogenic right ventricular dysplasia 11. Last evaluated: 2025-11-27. Review status: criteria provided, single submitter. Criteria: Invitae Variant Classification Sherloc (09022015). Collection method: clinical testing. Allele origin: germline.

All of Us Research Program, National Institutes of Health
Classification: Likely benign for Familial isolated arrhythmogenic right ventricular dysplasia. Last evaluated: 2023-12-01. Review status: criteria provided, single submitter. Criteria: ACMG Guidelines, 2015. Collection method: clinical testing. Allele origin: germline. Inheritance: Autosomal dominant inheritance. Observed: 7 variant alleles, 7 heterozygotes.
Comment: This study involves interpretation of variants in research participants for the purpose of population health screening. Participant phenotype was not available at the time of variant classification. Additional details can be found in publication PMID: 35346344, PMCID: PMC8962531

Ambry Genetics
Classification: Likely benign for Cardiovascular phenotype. Last evaluated: 2022-09-05. Review status: criteria provided, single submitter. Criteria: Ambry Variant Classification Scheme 2023. Collection method: clinical testing. Allele origin: germline.

GeneDx
Classification: Likely benign. Last evaluated: 2020-12-22. Review status: criteria provided, single submitter. Criteria: GeneDx Variant Classification Process June 2021. Collection method: clinical testing. Allele origin: germline. Affected: yes.

Color Diagnostics, LLC DBA Color Health
Classification: Likely benign for Cardiomyopathy. Last evaluated: 2020-01-28. Review status: criteria provided, single submitter. Criteria: ACMG Guidelines, 2015. Collection method: clinical testing. Allele origin: germline.

Women's Health and Genetics/Laboratory Corporation of America, LabCorp
Classification: Benign. Last evaluated: 2018-09-17. Review status: criteria provided, single submitter. Criteria: LabCorp Variant Classification Summary - May 2015. Collection method: clinical testing. Allele origin: germline.
Comment: Variant summary: DSC2 c.2379C>A alters a non-conserved nucleotide resulting in a synonymous change. 5/5 computational tools predict no significant impact on normal splicing. However, these predictions have yet to be confirmed by functional studies. The variant allele was found at a frequency of 7.6e-05 in 276820 control chromosomes, predominantly at a frequency of 0.00058 within the Latino subpopulation in the gnomAD database. The observed variant frequency within Latino control individuals in the gnomAD database is approximately 23-folds higher than the estimated maximal expected allele frequency for a pathogenic variant in DSC2 causing Cardiomyopathy phenotype (2.5e-05), strongly suggesting that the variant is a benign polymorphism found primarily in populations of Latino origin. To our knowledge, no occurrence of c.2379C>A in individuals affected with Cardiomyopathy and no experimental evidence demonstrating its impact on protein function have been reported. A ClinVar submission from a clinical diagnostic laboratory (evaluation after 2014) cite the variant as likely benign. Based on the evidence outlined above, the variant was classified as benign.